The following is an entry in ClinVar:

NM_006267.5(RANBP2):c.4443A>G (p.Gly1481=)

Gene: RANBP2 (RAN binding protein 2; plus strand). Cytogenetic location: 2q13.
Variant type: single nucleotide variant.
Coding change: c.4443A>G on transcript NM_006267.5 (MANE Select); coding-DNA position 4443, A replaced by G.
Protein change: p.Gly1481=; no amino-acid change (glycine 1481 retained).
Molecular consequence: synonymous variant.
Genome position (GRCh38, 1-based): chr2:108,764,982, A>G. VCF-style: chr2-108764982-A-G. GRCh37 (hg19) VCF-style: chr2-109381438-A-G.
Identifiers: ClinVar variation 380048 (VCV000380048.9), dbSNP rs61748149, ClinGen allele CA1823112.

ClinVar aggregate classification (germline): Benign. Review status: criteria provided, multiple submitters, no conflicts (2 of 4 stars). 3 submissions from 3 submitters: Benign (3). Last evaluated 2025-10-21.

Conditions:
Familial acute necrotizing encephalopathy (IIAE3). Also called: ENCEPHALOPATHY, ACUTE, INFECTION-INDUCED, SUSCEPTIBILITY TO, 3; Susceptibility to Acute Necrotizing Encephalopathy 1. Identifiers: Orphanet 88619, MedGen C2675556, MONDO:0011953, OMIM 608033.

Allele frequency attached by ClinVar (database versions not stated): TOPMed 0.05114; gnomAD 0.05119 and 0.05460; ESP Exome Variant Server 0.05514; gnomAD exomes 0.05833; ExAC 0.06096; 1000 Genomes Project 30x 0.06652; 1000 Genomes Project 0.06889.
gnomAD v4.1: 101,840 of 1,614,084 alleles (6.3%); highest among the groups gnomAD compares: South Asian, 14%; 3,845 homozygotes.

Submissions (3):

Labcorp Genetics (formerly Invitae), Labcorp
Classification: Benign for Familial acute necrotizing encephalopathy. Last evaluated: 2025-10-21. Review status: criteria provided, single submitter. Criteria: Invitae Variant Classification Sherloc (09022015). Collection method: clinical testing. Allele origin: germline.

GeneDx
Classification: Benign. Last evaluated: 2016-01-27. Review status: criteria provided, single submitter. Criteria: GeneDx Variant Classification (06012015). Collection method: clinical testing. Allele origin: germline. Affected: yes.
Comment: This variant is considered likely benign or benign based on one or more of the following criteria: it is a conservative change, it occurs at a poorly conserved position in the protein, it is predicted to be benign by multiple in silico algorithms, and/or has population frequency not consistent with disease.

Breakthrough Genomics
Classification: Benign. Review status: criteria provided, single submitter. Criteria: ACMG Guidelines, 2015. Collection method: not provided. Allele origin: germline. Inheritance: Autosomal dominant inheritance. Affected: yes.